The following is an entry in ClinVar:

NM_000719.7(CACNA1C):c.2225-11G>T

Gene: CACNA1C (calcium voltage-gated channel subunit alpha1 C; plus strand). Cytogenetic location: 12p13.33.
Variant type: single nucleotide variant.
Coding change: c.2225-11G>T on transcript NM_000719.7 (MANE Select); 11 bases into the intron before coding-DNA position 2225, G replaced by T.
Molecular consequence: intron variant.
Genome position (GRCh38, 1-based): chr12:2,584,492, G>T. VCF-style: chr12-2584492-G-T. GRCh37 (hg19) VCF-style: chr12-2693658-G-T.
Other names: c.2225-11G>T (NM_001167624.3, NM_001167623.2, NM_001167625.2 and 18 more transcripts); c.2216-11G>T (NM_001129844.2).
Identifiers: ClinVar variation 2855044 (VCV002855044.3), dbSNP rs1266520867, ClinGen allele CA2739271804.

ClinVar aggregate classification (germline): Uncertain significance (1 of 4 stars; one submission).

Conditions:
Long QT syndrome (LQTS). Identifiers: MedGen C0023976, MeSH D008133, MONDO:0002442. Disease mechanism: loss of function. Inheritance: Various modes of inheritance.

Submission:

Labcorp Genetics (formerly Invitae), Labcorp
Classification: Uncertain significance for Long QT syndrome. Last evaluated: 2023-04-11. Review status: criteria provided, single submitter. Criteria: Invitae Variant Classification Sherloc (09022015). Collection method: clinical testing. Allele origin: germline.
Comment: In summary, the available evidence is currently insufficient to determine the role of this variant in disease. Therefore, it has been classified as a Variant of Uncertain Significance. Algorithms developed to predict the effect of sequence changes on RNA splicing suggest that this variant may create or strengthen a splice site. This variant has not been reported in the literature in individuals affected with CACNA1C-related conditions. This variant is not present in population databases (gnomAD no frequency). This sequence change falls in intron 15 of the CACNA1C gene. It does not directly change the encoded amino acid sequence of the CACNA1C protein.